The following is an entry in ClinVar:

NM_203288.2(RP9):c.109C>T (p.His37Tyr)

Genes: RP9 (RP9 pre-mRNA splicing factor; minus strand), LOC129998224 (ATAC-STARR-seq lymphoblastoid silent region 18089; plus strand). Cytogenetic location: 7p14.3.
Variant type: single nucleotide variant.
Coding change: c.109C>T on transcript NM_203288.2 (MANE Select); coding-DNA position 109, C replaced by T.
Protein change: p.His37Tyr; replaces histidine 37 with tyrosine.
Molecular consequence: missense variant.
Genome position (GRCh38, 1-based): chr7:33,109,264, G>A on the plus strand (C>T on the coding strand, the complement: RP9 is on the minus strand). VCF-style: chr7-33109264-G-A. GRCh37 (hg19) VCF-style: chr7-33148876-G-A.
Other names: short protein forms H37Y.
Identifiers: ClinVar variation 1437677 (VCV001437677.7), dbSNP rs1162648899, ClinGen allele CA367185267.
Genomic context (GRCh38, chr7:33,109,264, plus strand): 5'-GGCAGCTCGGGACTCACAAGGACTCCAGGTGCTTGAGCTGCTGCAGCTGCTGCGCGTCGT[G>A]TCGCCGCCGCTTCTGCTCCCGACGTCGCTGCAGCTCCTGCTCCGGCGGCTCACGCGGCCG-3'
Protein context (NP_976033.1, residues 27-47): QRRREQKRRR[His37Tyr]DAQQLQQLKH

ClinVar aggregate classification (germline): Uncertain significance (1 of 4 stars; one submission).

Allele frequency attached by ClinVar (database versions not stated): gnomAD exomes below 0.00001 and 0.00001; TOPMed 0.00003.
gnomAD v4.1: 2 of 1,494,240 alleles (0.00013%); highest among the groups gnomAD compares: Non-Finnish European, 0.00018%; no homozygotes.

Submission:

Labcorp Genetics (formerly Invitae), Labcorp
Classification: Uncertain significance. Last evaluated: 2021-10-13. Review status: criteria provided, single submitter. Criteria: Invitae Variant Classification Sherloc (09022015). Collection method: clinical testing. Allele origin: germline.
Comment: In summary, the available evidence is currently insufficient to determine the role of this variant in disease. Therefore, it has been classified as a Variant of Uncertain Significance. Algorithms developed to predict the effect of missense changes on protein structure and function are either unavailable or do not agree on the potential impact of this missense change (SIFT: "Tolerated"; PolyPhen-2: "Possibly Damaging"; Align-GVGD: "Class C0"). This variant has not been reported in the literature in individuals affected with RP9-related conditions. The frequency data for this variant in the population databases is considered unreliable, as metrics indicate insufficient coverage at this position in the ExAC database. This sequence change replaces histidine with tyrosine at codon 37 of the RP9 protein (p.His37Tyr). The histidine residue is weakly conserved and there is a moderate physicochemical difference between histidine and tyrosine.